The following is an entry in ClinVar:

ClinVar aggregate classification (germline): Uncertain significance (1 of 4 stars; one submission).

Conditions:
Bloom syndrome (BLM). Also called: Bloom-Torre-Machacek syndrome. Identifiers: Orphanet 125, MedGen C0005859, MONDO:0008876, OMIM 210900.

Submission:

Labcorp Genetics (formerly Invitae), Labcorp
Classification: Uncertain significance for Bloom syndrome. Last evaluated: 2021-12-05. Review status: criteria provided, single submitter. Criteria: Invitae Variant Classification Sherloc (09022015). Collection method: clinical testing. Allele origin: germline.
Comment: This sequence change replaces methionine, which is neutral and non-polar, with isoleucine, which is neutral and non-polar, at codon 1026 of the BLM protein (p.Met1026Ile). This variant is not present in population databases (gnomAD no frequency). This variant has not been reported in the literature in individuals affected with BLM-related conditions. Algorithms developed to predict the effect of missense changes on protein structure and function are either unavailable or do not agree on the potential impact of this missense change (SIFT: "Tolerated"; PolyPhen-2: "Probably Damaging"; Align-GVGD: "Class C0"). In summary, the available evidence is currently insufficient to determine the role of this variant in disease. Therefore, it has been classified as a Variant of Uncertain Significance.

NM_000057.4(BLM):c.3078G>T (p.Met1026Ile)

Gene: BLM (BLM RecQ like helicase; plus strand). Cytogenetic location: 15q26.1.
Variant type: single nucleotide variant.
Coding change: c.3078G>T on transcript NM_000057.4 (MANE Select); coding-DNA position 3078, G replaced by T.
Protein change: p.Met1026Ile; replaces methionine 1026 with isoleucine.
Molecular consequence: missense variant.
Genome position (GRCh38, 1-based): chr15:90,794,225, G>T. VCF-style: chr15-90794225-G-T. GRCh37 (hg19) VCF-style: chr15-91337455-G-T.
Other names: c.3078G>T, p.Met1026Ile (NM_001287246.2, NM_001287247.2); c.1953G>T, p.Met651Ile (NM_001287248.2); short protein forms M651I, M1026I.
Identifiers: ClinVar variation 1492470 (VCV001492470.3), dbSNP rs2151187237, ClinGen allele CA393846782.